The following is an entry in ClinVar:

ClinVar aggregate classification (germline): Likely benign (1 of 4 stars; one submission).

Submission:

CeGaT Center for Human Genetics Tuebingen
Classification: Likely benign. Last evaluated: 2026-05-01. Review status: criteria provided, single submitter. Criteria: CeGaT Center For Human Genetics Tuebingen Variant Classification Criteria Version 2. Collection method: clinical testing. Allele origin: germline. Affected: yes. Observed: 3 variant alleles.
Comment: CD163L1: PM2:Supporting, BP4, BP7

NM_174941.6(CD163L1):c.3261C>G (p.Val1087=)

Gene: CD163L1 (CD163 molecule like 1; minus strand). Cytogenetic location: 12p13.31.
Variant type: single nucleotide variant.
Coding change: c.3261C>G on transcript NM_174941.6 (MANE Select); coding-DNA position 3261, C replaced by G.
Protein change: p.Val1087=; no amino-acid change (valine 1087 retained).
Molecular consequence: synonymous variant.
Genome position (GRCh38, 1-based): chr12:7,374,590, G>C on the plus strand (C>G on the coding strand, the complement: CD163L1 is on the minus strand). VCF-style: chr12-7374590-G-C. GRCh37 (hg19) VCF-style: chr12-7527186-G-C.
Other names: c.3291C>G, p.Val1097= (NM_001297650.2).
Identifiers: ClinVar variation 2642677 (VCV002642677.24), dbSNP rs775070337, ClinGen allele CA478524127.